The following is an entry in ClinVar:

NM_201384.3(PLEC):c.8320G>A (p.Val2774Ile)

Gene: PLEC (plectin; minus strand). Cytogenetic location: 8q24.3.
Variant type: single nucleotide variant.
Coding change: c.8320G>A on transcript NM_201384.3 (MANE Select); coding-DNA position 8320, G replaced by A.
Protein change: p.Val2774Ile; replaces valine 2774 with isoleucine.
Molecular consequence: missense variant.
Genome position (GRCh38, 1-based): chr8:143,921,501, C>T on the plus strand (G>A on the coding strand, the complement: PLEC is on the minus strand). VCF-style: chr8-143921501-C-T. GRCh37 (hg19) VCF-style: chr8-144995669-C-T.
Other names: c.8401G>A, p.Val2801Ile (NM_000445.5); c.8278G>A, p.Val2760Ile (NM_201378.4); c.8254G>A, p.Val2752Ile (NM_201379.3); c.8731G>A, p.Val2911Ile (NM_201380.4); c.8224G>A, p.Val2742Ile (NM_201381.3); c.8320G>A, p.Val2774Ile (NM_201382.4); c.8332G>A, p.Val2778Ile (NM_201383.3); short protein forms V2742I, V2752I, V2760I, V2774I, V2778I, V2801I, V2911I.
Identifiers: ClinVar variation 450144 (VCV000450144.13), dbSNP rs782359700, ClinGen allele CA4925360.

ClinVar aggregate classification (germline): Conflicting classifications of pathogenicity. Review status: criteria provided, conflicting classifications (1 of 4 stars). 4 submissions from 4 submitters: Uncertain significance (2); Likely benign (1). 1 of the submissions does not count toward it. Last evaluated 2026-01-09.

Conditions:
PLEC-related disorder. Also called: PLEC-related condition; PLEC-related disorders.
Epidermolysis bullosa simplex, Ogna type (EBS5A). Also called: Pidermolysis bullosa simplex 5A, Ogna type; EPIDERMOLYSIS BULLOSA SIMPLEX 5A, OGNA TYPE. Identifiers: Orphanet 79401, MedGen C0432317, MONDO:0007555, OMIM 131950.
Epidermolysis bullosa simplex with nail dystrophy (EBS5D). Identifiers: MedGen C4225309, MONDO:0014661, OMIM 616487.
Epidermolysis bullosa simplex 5B, with muscular dystrophy (EBS5B). Also called: Epidermolysis bullosa simplex with muscular dystrophy; EPIDERMOLYSIS BULLOSA SIMPLEX AND LIMB-GIRDLE MUSCULAR DYSTROPHY. Identifiers: Orphanet 257, MedGen C2931072, MONDO:0009181, OMIM 226670.
Epidermolysis bullosa simplex 5C, with pyloric atresia (EBS5C). Also called: PLEC-Related Epidermolysis Bullosa with Pyloric Atresia; Epidermolysis bullosa simplex with pyloric atresia; PLEC1-Related Epidermolysis Bullosa with Pyloric Atresia. Identifiers: Orphanet 158684, MedGen C2677349, MONDO:0012807, OMIM 612138.
Autosomal recessive limb-girdle muscular dystrophy type 2Q (LGMDR17). Also called: MUSCULAR DYSTROPHY, LIMB-GIRDLE, AUTOSOMAL RECESSIVE 17. Identifiers: Orphanet 254361, MedGen C3150989, MONDO:0013390, OMIM 613723.
Inborn genetic diseases. Identifiers: MedGen C0950123, MeSH D030342.

Allele frequency attached by ClinVar (database versions not stated): gnomAD 0.00002; gnomAD exomes 0.00002 and 0.00004; TOPMed 0.00002; ExAC 0.00003.
gnomAD v4.1: 36 of 1,612,864 alleles (0.0022%); highest among the groups gnomAD compares: East Asian, 0.0067%; no homozygotes.

Submissions (4):

Labcorp Genetics (formerly Invitae), Labcorp
Classification: Uncertain significance for Autosomal recessive limb-girdle muscular dystrophy type 2Q; Epidermolysis bullosa simplex, Ogna type; Epidermolysis bullosa simplex with nail dystrophy; Epidermolysis bullosa simplex 5C, with pyloric atresia; Epidermolysis bullosa simplex 5B, with muscular dystrophy. Last evaluated: 2026-01-09. Review status: criteria provided, single submitter. Criteria: Invitae Variant Classification Sherloc (09022015). Collection method: clinical testing. Allele origin: germline.
Comment: This sequence change replaces valine, which is neutral and non-polar, with isoleucine, which is neutral and non-polar, at codon 2801 of the PLEC protein (p.Val2801Ile). This variant is present in population databases (rs782359700, gnomAD 0.02%). This variant has not been reported in the literature in individuals affected with PLEC-related conditions. ClinVar contains an entry for this variant (Variation ID: 450144). An algorithm developed to predict the effect of missense changes on protein structure and function (PolyPhen-2) suggests that this variant is likely to be disruptive. In summary, the available evidence is currently insufficient to determine the role of this variant in disease. Therefore, it has been classified as a Variant of Uncertain Significance.

Ambry Genetics
Classification: Uncertain significance for Inborn genetic diseases. Last evaluated: 2025-06-07. Review status: criteria provided, single submitter. Criteria: Ambry Variant Classification Scheme 2023. Collection method: clinical testing. Allele origin: germline.

GeneDx
Classification: Likely benign. Last evaluated: 2020-10-29. Review status: criteria provided, single submitter. Criteria: GeneDx Variant Classification Process June 2021. Collection method: clinical testing. Allele origin: germline. Affected: yes.

PreventionGenetics, part of Exact Sciences
Classification: Uncertain significance for PLEC-related condition. Last evaluated: 2024-04-02. Review status: no assertion criteria provided. Collection method: clinical testing. Allele origin: germline. Not counted in ClinVar's aggregate classification.
Comment: The PLEC c.8401G>A variant is predicted to result in the amino acid substitution p.Val2801Ile. To our knowledge, this variant has not been reported in the literature or in a large population database, indicating this variant is rare. At this time, the clinical significance of this variant is uncertain due to the absence of conclusive functional and genetic evidence.